The following is an entry in ClinVar:

ClinVar aggregate classification (germline): Likely benign. Review status: criteria provided, multiple submitters, no conflicts (2 of 4 stars). 2 submissions from 2 submitters: Likely benign (2). Last evaluated 2018-06-14.

Allele frequency attached by ClinVar (database versions not stated): 1000 Genomes Project 0.00359; 1000 Genomes Project 30x 0.00359; TOPMed 0.00692; gnomAD 0.00746; gnomAD exomes 0.00983.
gnomAD v4.1: 5,740 of 634,466 alleles (0.9%); highest among the groups gnomAD compares: Non-Finnish European, 1.1%; 43 homozygotes.

Submissions (2):

GeneDx
Classification: Likely benign. Last evaluated: 2018-06-14. Review status: criteria provided, single submitter. Criteria: GeneDx Variant Classification (06012015). Collection method: clinical testing. Allele origin: germline. Affected: yes.
Comment: This variant is considered likely benign or benign based on one or more of the following criteria: it is a conservative change, it occurs at a poorly conserved position in the protein, it is predicted to be benign by multiple in silico algorithms, and/or has population frequency not consistent with disease.

Breakthrough Genomics
Classification: Likely benign. Review status: criteria provided, single submitter. Criteria: ACMG Guidelines, 2015. Collection method: not provided. Allele origin: germline. Inheritance: Autosomal recessive inheritance. Affected: yes.

NM_001267550.2(TTN):c.97795+166G>A

Genes: TTN (titin; minus strand), TTN-AS1 (TTN antisense RNA 1; plus strand). Cytogenetic location: 2q31.2.
Variant type: single nucleotide variant.
Coding change: c.97795+166G>A on transcript NM_001267550.2 (MANE Select); 166 bases into the intron after coding-DNA position 97795, G replaced by A.
Molecular consequence: intron variant.
Genome position (GRCh38, 1-based): chr2:178,541,116, C>T on the plus strand (G>A on the coding strand, the complement: TTN is on the minus strand). VCF-style: chr2-178541116-C-T. GRCh37 (hg19) VCF-style: chr2-179405843-C-T.
Other names: c.70600+166G>A (NM_003319.4); c.71176+166G>A (NM_133437.4); c.70975+166G>A (NM_133432.3); c.90091+166G>A (NM_133378.4); c.92872+166G>A (NM_001256850.1).
Identifiers: ClinVar variation 675551 (VCV000675551.2), dbSNP rs113823139, ClinGen allele CA60966659.